The following is an entry in ClinVar:

ClinVar aggregate classification (germline): Conflicting classifications of pathogenicity. Review status: criteria provided, conflicting classifications (1 of 4 stars). 12 submissions from 12 submitters: Uncertain significance (1); Benign (5); Likely benign (3). 3 of the submissions do not count toward it. Last evaluated 2026-03-27.

Conditions:
Cardiovascular phenotype. Identifiers: MedGen CN230736.
Cardiomyopathy (CMYO). Also called: Cardiomyopathies. Identifiers: Orphanet 167848, MedGen C0878544, MONDO:0004994, HP:0001638. Inheritance: Various modes of inheritance.
Arrhythmogenic right ventricular dysplasia 10. Also called: Arrhythmogenic right ventricular dysplasia/cardiomyopathy, type 10; Arrhythmogenic Right Ventricular Dysplasia/Cardiomyopathy10; ARRHYTHMOGENIC RIGHT VENTRICULAR DYSPLASIA, FAMILIAL, 10. Identifiers: MedGen C1857777, MONDO:0012434, OMIM 610193.

Allele frequency attached by ClinVar (database versions not stated): gnomAD exomes 0.00055 and 0.00112; ExAC 0.00124; gnomAD 0.00003 and 0.00033; TOPMed 0.00005; 1000 Genomes Project 30x 0.00219; 1000 Genomes Project 0.00260.
gnomAD v4.1: 853 of 1,612,140 alleles (0.053%); highest among the groups gnomAD compares: South Asian, 0.9%; 20 homozygotes.

Submissions (12):

Molecular Diagnostic Laboratory for Inherited Cardiovascular Disease, Montreal Heart Institute
Classification: Likely benign. Last evaluated: 2026-03-27. Review status: criteria provided, single submitter. Criteria: ACMG Guidelines, 2015. Collection method: clinical testing. Allele origin: germline. Affected: no.
Comment: BS1;BP1

Labcorp Genetics (formerly Invitae), Labcorp
Classification: Benign for Arrhythmogenic right ventricular dysplasia 10. Last evaluated: 2026-01-27. Review status: criteria provided, single submitter. Criteria: Invitae Variant Classification Sherloc (09022015). Collection method: clinical testing. Allele origin: germline.

Genomic Medicine Center of Excellence, King Faisal Specialist Hospital and Research Centre
Classification: Uncertain significance for Arrhythmogenic right ventricular dysplasia 10. Last evaluated: 2024-06-08. Review status: criteria provided, single submitter. Criteria: ACMG Guidelines, 2015. Collection method: research. Allele origin: germline. Affected: yes.
Comment: Downgraded variant due to updated local frequency

Color Diagnostics, LLC DBA Color Health
Classification: Benign for Cardiomyopathy. Last evaluated: 2018-10-05. Review status: criteria provided, single submitter. Criteria: ACMG Guidelines, 2015. Collection method: clinical testing. Allele origin: germline.

CHEO Genetics Diagnostic Laboratory, Children's Hospital of Eastern Ontario
Classification: Benign for Cardiomyopathy. Last evaluated: 2018-03-12. Review status: criteria provided, single submitter. Criteria: ACMG Guidelines, 2015. Collection method: clinical testing. Allele origin: germline.

Illumina Laboratory Services, Illumina
Classification: Likely benign for Arrhythmogenic right ventricular dysplasia 10. Last evaluated: 2018-01-12. Review status: criteria provided, single submitter. Criteria: ICSL Variant Classification Criteria 13 December 2019. Collection method: clinical testing. Allele origin: germline.
Comment: This variant was observed in the ICSL laboratory as part of a predisposition screen in an ostensibly healthy population. It had not been previously curated by ICSL or reported in the Human Gene Mutation Database (HGMD: prior to June 1st, 2018), and was therefore a candidate for classification through an automated scoring system. Utilizing variant allele frequency, disease prevalence and penetrance estimates, and inheritance mode, an automated score was calculated to assess if this variant is too frequent to cause the disease. Based on the score and internal cut-off values, a variant classified as likely benign is not then subjected to further curation. The score for this variant resulted in a classification of likely benign for this disease.

GeneDx
Classification: Benign. Last evaluated: 2017-04-19. Review status: criteria provided, single submitter. Criteria: GeneDx Variant Classification (06012015). Collection method: clinical testing. Allele origin: germline. Affected: yes.
Comment: This variant is considered likely benign or benign based on one or more of the following criteria: it is a conservative change, it occurs at a poorly conserved position in the protein, it is predicted to be benign by multiple in silico algorithms, and/or has population frequency not consistent with disease.

Ambry Genetics
Classification: Benign for Cardiovascular phenotype. Last evaluated: 2017-04-07. Review status: criteria provided, single submitter. Criteria: Ambry Variant Classification Scheme 2023. Collection method: clinical testing. Allele origin: germline.

Women's Health and Genetics/Laboratory Corporation of America, LabCorp
Classification: Likely benign. Last evaluated: 2016-02-01. Review status: criteria provided, single submitter. Criteria: LabCorp Variant Classification Summary - May 2015. Collection method: clinical testing. Allele origin: germline.
Comment: Variant summary: DSG2 c.1376A>G variant affects a conserved nucleotide, resulting in amino acid change from Tyr to Cys. 4/4 in-silico tools predict a damaging outcome for this variant, however, functional studies have not been carried out to confirm these predictions. This variant is found in 139/111860 control chromosomes (5 homozygotes) at a frequency of 0.0012426. The variant is predominantly found in South Asians (132/15646; 0.0084367). These frequencies are 124-843 times the maximal expected frequency of a pathogenic DSG2 allele (0.00001), highly suggesting this variant is benign. Although one research center reports this variant as likely pathogenic, they provide no evidence to independently evaluate. Taken together, this is probably a normal variant given the high frequency in controls and at least one reported co-occurrence with a pathogenic TNNT2 allele, thus this DSG2 variant was classified as likely benign.

Clinical Genetics DNA and cytogenetics Diagnostics Lab, Erasmus MC, Erasmus Medical Center
Classification: Likely benign. Review status: no assertion criteria provided. Collection method: clinical testing. Allele origin: germline. Affected: yes. Study: VKGL Data-share Consensus. Not counted in ClinVar's aggregate classification.

Clinical Genetics, Academic Medical Center
Classification: Benign. Review status: no assertion criteria provided. Collection method: clinical testing. Allele origin: germline. Affected: yes. Study: VKGL Data-share Consensus. Not counted in ClinVar's aggregate classification.

Genome Diagnostics Laboratory, University Medical Center Utrecht
Classification: Likely benign. Review status: no assertion criteria provided. Collection method: clinical testing. Allele origin: germline. Affected: yes. Study: VKGL Data-share Consensus. Not counted in ClinVar's aggregate classification.

Literature cited by the submitters: NA (cited by Genomic Medicine Center of Excellence, King Faisal Specialist Hospital and Research Centre); PubMed 23396983 (cited by Ambry Genetics and Women's Health and Genetics/Laboratory Corporation of America, LabCorp); PubMed 25351510 (cited by Women's Health and Genetics/Laboratory Corporation of America, LabCorp); PubMed 26112015 (cited by Women's Health and Genetics/Laboratory Corporation of America, LabCorp).

NM_001943.5(DSG2):c.1376A>G (p.Tyr459Cys)

Gene: DSG2 (desmoglein 2; plus strand). Cytogenetic location: 18q12.1.
Variant type: single nucleotide variant.
Coding change: c.1376A>G on transcript NM_001943.5 (MANE Select); coding-DNA position 1376, A replaced by G.
Protein change: p.Tyr459Cys; replaces tyrosine 459 with cysteine.
Molecular consequence: missense variant.
Genome position (GRCh38, 1-based): chr18:31,535,365, A>G. VCF-style: chr18-31535365-A-G. GRCh37 (hg19) VCF-style: chr18-29115328-A-G.
Other names: c.1376A>G (LRG_397t1); short protein forms Y459C.
Identifiers: ClinVar variation 191089 (VCV000191089.27), dbSNP rs576404380, ClinGen allele CA021359.